The following is an entry in ClinVar:

ClinVar aggregate classification (germline): Uncertain significance (1 of 4 stars; one submission).

Conditions:
Mulibrey nanism syndrome. Also called: MUSCLE-LIVER-BRAIN-EYE NANISM; PERHEENTUPA SYNDROME; PERICARDIAL CONSTRICTION AND GROWTH FAILURE. Identifiers: Orphanet 2576, MedGen C0524582, MONDO:0009664, OMIM 253250.

gnomAD v4.1: 4 of 1,614,000 alleles (0.00025%); highest among the groups gnomAD compares: Non-Finnish European, 0.00025%; no homozygotes.

Submission:

St. Jude Molecular Pathology, St. Jude Children's Research Hospital
Classification: Uncertain significance for Mulibrey nanism syndrome. Last evaluated: 2026-02-11. Review status: criteria provided, single submitter. Criteria: St. Jude Assertion Criteria 2020. Collection method: clinical testing. Allele origin: germline.
Comment: The TRIM37 c.407A>G p.(Tyr136Cys) missense change has a maximum subpopulation frequency of 0.0009% in gnomAD v2.1.1. The in silico tool REVEL predicts a deleterious effect on protein function, but to our knowledge this prediction has not been confirmed by functional studies. To our knowledge, this variant has not been reported in individuals with Mulibrey nanism. In summary, the evidence currently available is insufficient to determine the clinical significance of this variant. It has therefore been classified as of uncertain significance.

NM_015294.6(TRIM37):c.407A>G (p.Tyr136Cys)

Gene: TRIM37 (tripartite motif containing 37; minus strand). Cytogenetic location: 17q22.
Variant type: single nucleotide variant.
Coding change: c.407A>G on transcript NM_015294.6 (MANE Select); coding-DNA position 407, A replaced by G.
Protein change: p.Tyr136Cys; replaces tyrosine 136 with cysteine.
Molecular consequence: missense variant. On other transcripts: 5 prime UTR variant (2), non-coding transcript variant (2).
Genome position (GRCh38, 1-based): chr17:59,081,182, T>C on the plus strand (A>G on the coding strand, the complement: TRIM37 is on the minus strand). VCF-style: chr17-59081182-T-C. GRCh37 (hg19) VCF-style: chr17-57158543-T-C.
Other names: c.407A>G, p.Tyr136Cys (NM_001005207.5, NM_001320988.3, NM_001320989.3 and 2 more transcripts); c.305A>G, p.Tyr102Cys (NM_001320987.3, NM_001353082.2); c.41A>G, p.Tyr14Cys (NM_001320990.3); c.-346A>G (NM_001353083.2); c.-56A>G (NM_001353085.2); short protein forms Y102C, Y136C, Y14C.
Identifiers: ClinVar variation 4813137 (VCV004813137.1).
Genomic context (GRCh38, chr17:59,081,182, plus strand): 5'-TCCATGAGACGCCGACGAAGTTTGGCTACCTCTTCATTCACTTTAGTGACGTGTTGCTCA[T>C]AAATTTCTGCCAAAGGTTTAAAGGTATGTCCGCCATGCTATTTAAATTAGAGTAGCTTTA-3'
Protein context (NP_056109.1, residues 126-146): GHTFKPLAEI[Tyr136Cys]EQHVTKVNEE